The following is an entry in ClinVar:

ClinVar aggregate classification (germline): Uncertain significance (1 of 4 stars; one submission).

Conditions:
Neuroblastoma, susceptibility to, 3. Also called: ALK-Related Neuroblastic Tumor Susceptibility. Identifiers: Orphanet 635, MedGen C2751681, MONDO:0013083, OMIM 613014.

Submission:

Labcorp Genetics (formerly Invitae), Labcorp
Classification: Uncertain significance for Neuroblastoma, susceptibility to, 3. Last evaluated: 2024-05-21. Review status: criteria provided, single submitter. Criteria: Invitae Variant Classification Sherloc (09022015). Collection method: clinical testing. Allele origin: germline.
Comment: This sequence change replaces threonine, which is neutral and polar, with serine, which is neutral and polar, at codon 505 of the ALK protein (p.Thr505Ser). This variant is not present in population databases (gnomAD no frequency). This variant has not been reported in the literature in individuals affected with ALK-related conditions. An algorithm developed to predict the effect of missense changes on protein structure and function (PolyPhen-2) suggests that this variant is likely to be tolerated. In summary, the available evidence is currently insufficient to determine the role of this variant in disease. Therefore, it has been classified as a Variant of Uncertain Significance.

NM_004304.5(ALK):c.1513A>T (p.Thr505Ser)

Gene: ALK (ALK receptor tyrosine kinase; minus strand). Cytogenetic location: 2p23.2.
Variant type: single nucleotide variant.
Coding change: c.1513A>T on transcript NM_004304.5 (MANE Select); coding-DNA position 1513, A replaced by T.
Protein change: p.Thr505Ser; replaces threonine 505 with serine.
Molecular consequence: missense variant.
Genome position (GRCh38, 1-based): chr2:29,320,784, T>A on the plus strand (A>T on the coding strand, the complement: ALK is on the minus strand). VCF-style: chr2-29320784-T-A. GRCh37 (hg19) VCF-style: chr2-29543650-T-A.
Other names: short protein forms T505S.
Identifiers: ClinVar variation 3653963 (VCV003653963.2).